The following is an entry in ClinVar:

ClinVar aggregate classification (germline): Uncertain significance (1 of 4 stars; one submission).

Submission:

GeneDx
Classification: Uncertain significance. Last evaluated: 2026-04-08. Review status: criteria provided, single submitter. Criteria: GeneDx Variant Classification Process June 2021. Collection method: clinical testing. Allele origin: germline.
Comment: Not observed at significant frequency in large population cohorts (gnomAD); In silico analysis is inconclusive as to whether the variant alters gene splicing. In the absence of RNA/functional studies, the actual effect of this sequence change is unknown.; Has not been previously published as pathogenic or benign to our knowledge

NM_000504.4(F10):c.256+3_256+6del

Gene: F10 (coagulation factor X; plus strand). Cytogenetic location: 13q34.
Variant type: Deletion.
Coding change: c.256+3_256+6del on transcript NM_000504.4 (MANE Select); bases 3 to 6 of the intron after coding-DNA position 256, 4 bases deleted (CAGT; older notation c.256+3_256+6delCAGT).
Molecular consequence: splice donor variant.
Genome position (GRCh38, 1-based): chr13:113,138,484-113,138,487, CAGT deleted; deleting any 4 consecutive bases within chr13:113,138,482-113,138,487 gives the same sequence; the c. name uses the placement nearest the transcript's 3' end. VCF-style (leftmost placement, unchanged base first): chr13-113138481-GGTCA-G. GRCh37 (hg19) VCF-style: chr13-113792795-GGTCA-G.
Other names: c.256+3_256+6del (NM_001312675.2, NM_001312674.2).
Identifiers: ClinVar variation 5018333 (VCV005018333.1).